The following is an entry in ClinVar:

ClinVar aggregate classification (germline): Likely pathogenic (1 of 4 stars; one submission).

Conditions:
Autosomal recessive polycystic kidney disease (ARPKD). Also called: AR polycystic kidney disease. Identifiers: Orphanet 731, Orphanet 8378, MedGen C0085548, MeSH D017044, MONDO:0009889.

Submission:

Labcorp Genetics (formerly Invitae), Labcorp
Classification: Likely pathogenic for Autosomal recessive polycystic kidney disease. Last evaluated: 2022-03-26. Review status: criteria provided, single submitter. Criteria: Invitae Variant Classification Sherloc (09022015). Collection method: clinical testing. Allele origin: germline.
Comment: In summary, the currently available evidence indicates that the variant is pathogenic, but additional data are needed to prove that conclusively. Therefore, this variant has been classified as Likely Pathogenic. Algorithms developed to predict the effect of sequence changes on RNA splicing suggest that this variant may disrupt the consensus splice site. This variant has not been reported in the literature in individuals affected with PKHD1-related conditions. This variant is not present in population databases (gnomAD no frequency). This sequence change affects an acceptor splice site in intron 6 of the PKHD1 gene. It is expected to disrupt RNA splicing. Variants that disrupt the donor or acceptor splice site typically lead to a loss of protein function (PMID: 16199547), and loss-of-function variants in PKHD1 are known to be pathogenic (PMID: 19940839).

Literature cited by the submitters: PubMed 16199547; PubMed 19940839.

NM_138694.4(PKHD1):c.449-1G>A

Gene: PKHD1 (PKHD1 ciliary IPT domain containing fibrocystin/polyductin; minus strand). Cytogenetic location: 6p12.2.
Variant type: single nucleotide variant.
Coding change: c.449-1G>A on transcript NM_138694.4 (MANE Select); the canonical splice acceptor site of the intron before coding-DNA position 449, G replaced by A.
Molecular consequence: splice acceptor variant.
Genome position (GRCh38, 1-based): chr6:52,073,542, C>T on the plus strand (G>A on the coding strand, the complement: PKHD1 is on the minus strand). VCF-style: chr6-52073542-C-T. GRCh37 (hg19) VCF-style: chr6-51938340-C-T.
Other names: c.449-1G>A (NM_170724.3).
Identifiers: ClinVar variation 2117691 (VCV002117691.4), dbSNP rs2533630386, ClinGen allele CA364436435.